The following is an entry in ClinVar:

NM_000535.7(PMS2):c.2181G>T (p.Gln727His)

Gene: PMS2 (PMS1 homolog 2, mismatch repair system component; minus strand). Cytogenetic location: 7p22.1.
Variant type: single nucleotide variant.
Coding change: c.2181G>T on transcript NM_000535.7 (MANE Select); coding-DNA position 2181, G replaced by T.
Protein change: p.Gln727His; replaces glutamine 727 with histidine.
Molecular consequence: missense variant. On other transcripts: non-coding transcript variant (1).
Genome position (GRCh38, 1-based): chr7:5,978,690, C>A on the plus strand (G>T on the coding strand, the complement: PMS2 is on the minus strand). VCF-style: chr7-5978690-C-A. GRCh37 (hg19) VCF-style: chr7-6018321-C-A.
Other names: c.1845G>T, p.Gln615His (NM_001406885.1); c.1815G>T, p.Gln605His (NM_001406886.1); c.1776G>T, p.Gln592His (NM_001406889.1, NM_001406891.1, NM_001406892.1 and 15 more transcripts); c.2025G>T, p.Gln675His (NM_001322006.2, NM_001406870.1); c.1863G>T, p.Gln621His (NM_001322007.2, NM_001322008.2, NM_001406876.1 and 1 more transcripts); c.1620G>T, p.Gln540His (NM_001322010.2, NM_001406907.1, NM_001406906.1); c.1248G>T, p.Gln416His (NM_001322011.2, NM_001322012.2); c.1608G>T, p.Gln536His (NM_001322013.2, NM_001406908.1, NM_001406909.1); and 14 more; short protein forms Q470H, Q572H, Q592H, Q624H, Q675H, Q540H, Q565H, Q569H.
Identifiers: ClinVar variation 1787280 (VCV001787280.3), dbSNP rs1583286283, ClinGen allele CA366736973.
Genomic context (GRCh38, chr7:5,978,690, plus strand): 5'-TCTAAATATTTCCAGATTTTCTATCAGAACAGCTTCATTAACAGCAGTTAAGTTGAGAGT[C>A]TGAGGTCTGAAAAACACAAAAATGATTCAAACCATATCCTGAAGTCAAACATTTAGCTTT-3'
Protein context (NP_000526.2, residues 717-737): VLQGQRLIAP[Gln727His]TLNLTAVNEA

ClinVar aggregate classification (germline): Uncertain significance (1 of 4 stars; one submission).

Conditions:
Hereditary cancer-predisposing syndrome. Also called: Neoplastic Syndromes, Hereditary; Tumor predisposition; Hereditary Cancer Syndrome; Hereditary neoplastic syndrome. Identifiers: Orphanet 140162, MedGen C0027672, MeSH D009386, MONDO:0015356.

Submission:

Ambry Genetics
Classification: Uncertain significance for Hereditary cancer-predisposing syndrome. Last evaluated: 2025-04-10. Review status: criteria provided, single submitter. Criteria: Ambry Variant Classification Scheme 2023. Collection method: clinical testing. Allele origin: germline.
Comment: The p.Q727H variant (also known as c.2181G>T), located in coding exon 13 of the PMS2 gene, results from a G to T substitution at nucleotide position 2181. The glutamine at codon 727 is replaced by histidine, an amino acid with highly similar properties. This amino acid position is highly conserved in available vertebrate species. In addition, the in silico prediction for this alteration is inconclusive. Based on the available evidence, the clinical significance of this variant remains unclear.